The following is an entry in ClinVar:

NM_004817.4(TJP2):c.3556C>T (p.Arg1186Trp)

Gene: TJP2 (tight junction protein 2; plus strand). Cytogenetic location: 9q21.11.
Variant type: single nucleotide variant.
Coding change: c.3556C>T on transcript NM_004817.4 (MANE Select); coding-DNA position 3556, C replaced by T.
Protein change: p.Arg1186Trp; replaces arginine 1186 with tryptophan.
Molecular consequence: missense variant.
Genome position (GRCh38, 1-based): chr9:69,254,357, C>T. VCF-style: chr9-69254357-C-T. GRCh37 (hg19) VCF-style: chr9-71869273-C-T.
Other names: c.3046C>T, p.Arg1016Trp (NM_001170414.2); c.3457C>T, p.Arg1153Trp (NM_001170415.1); c.3649C>T, p.Arg1217Trp (NM_001170416.2); c.3481C>T, p.Arg1161Trp (NM_001369870.1); c.3487C>T, p.Arg1163Trp (NM_001369871.1); c.3445C>T, p.Arg1149Trp (NM_001369872.1); c.3232C>T, p.Arg1078Trp (NM_001369873.1); c.3127C>T, p.Arg1043Trp (NM_001369874.1); and 2 more; short protein forms R1190W, R1161W, R1163W, R1186W, R1217W, R1016W, R1043W, R1153W.
Identifiers: ClinVar variation 4979761 (VCV004979761.1).

ClinVar aggregate classification (germline): Uncertain significance (1 of 4 stars; one submission).

Conditions:
TJP2-related disorder. Also called: TJP2-related condition.

gnomAD v4.1: 18 of 1,614,194 alleles (0.0011%); highest among the groups gnomAD compares: Admixed American, 0.0017%; no homozygotes.

Submission:

PreventionGenetics, part of Exact Sciences
Classification: Uncertain significance for TJP2-related condition. Last evaluated: 2026-05-30. Review status: criteria provided, single submitter. Criteria: ACMG Guidelines, 2015. Collection method: clinical testing. Allele origin: germline.
Comment: The TJP2 c.3556C>T variant is predicted to result in the amino acid substitution p.Arg1186Trp. To our knowledge, this variant has not been reported in the literature. This variant is reported in 0.00088% of alleles in individuals of European (Non-Finnish) descent in gnomAD. At this time, the clinical significance of this variant is uncertain due to the absence of conclusive functional and genetic evidence.